The following is an entry in ClinVar:

NM_020361.5(CPA6):c.170A>G (p.Lys57Arg)

Gene: CPA6 (carboxypeptidase A6; minus strand). Cytogenetic location: 8q13.2.
Variant type: single nucleotide variant.
Coding change: c.170A>G on transcript NM_020361.5 (MANE Select); coding-DNA position 170, A replaced by G.
Protein change: p.Lys57Arg; replaces lysine 57 with arginine.
Molecular consequence: missense variant.
Genome position (GRCh38, 1-based): chr8:67,624,198, T>C on the plus strand (A>G on the coding strand, the complement: CPA6 is on the minus strand). VCF-style: chr8-67624198-T-C. GRCh37 (hg19) VCF-style: chr8-68536433-T-C.
Other names: short protein forms K57R.
Identifiers: ClinVar variation 1053956 (VCV001053956.9), dbSNP rs1188067416, ClinGen allele CA371262027.

ClinVar aggregate classification (germline): Uncertain significance (1 of 4 stars; one submission).

Conditions:
Febrile seizures, familial, 11 (FEB11). Also called: CONVULSIONS, FAMILIAL FEBRILE, 11. Identifiers: MedGen C3280734, MONDO:0024566, OMIM 614418.

Allele frequency attached by ClinVar (database versions not stated): gnomAD exomes below 0.00001; gnomAD 0.00001.
gnomAD v4.1: 3 of 1,550,764 alleles (0.00019%); highest among the groups gnomAD compares: Admixed American, 0.0051%; no homozygotes.

Submission:

Labcorp Genetics (formerly Invitae), Labcorp
Classification: Uncertain significance for Febrile seizures, familial, 11. Last evaluated: 2022-07-19. Review status: criteria provided, single submitter. Criteria: Invitae Variant Classification Sherloc (09022015). Collection method: clinical testing. Allele origin: germline.
Comment: In summary, the available evidence is currently insufficient to determine the role of this variant in disease. Therefore, it has been classified as a Variant of Uncertain Significance. Algorithms developed to predict the effect of missense changes on protein structure and function (SIFT, PolyPhen-2, Align-GVGD) all suggest that this variant is likely to be tolerated. ClinVar contains an entry for this variant (Variation ID: 1053956). This variant has not been reported in the literature in individuals affected with CPA6-related conditions. This variant is present in population databases (no rsID available, gnomAD 0.1%). This sequence change replaces lysine, which is basic and polar, with arginine, which is basic and polar, at codon 57 of the CPA6 protein (p.Lys57Arg).